The following is an entry in ClinVar:

NM_003072.5(SMARCA4):c.3848C>T (p.Pro1283Leu)

Gene: SMARCA4 (SWI/SNF related BAF chromatin remodeling complex subunit ATPase 4; plus strand). Cytogenetic location: 19p13.2.
Variant type: single nucleotide variant.
Coding change: c.3848C>T on transcript NM_003072.5 (MANE Select); coding-DNA position 3848, C replaced by T.
Protein change: p.Pro1283Leu; replaces proline 1283 with leucine.
Molecular consequence: missense variant. On other transcripts: intron variant (5).
Genome position (GRCh38, 1-based): chr19:11,033,840, C>T. VCF-style: chr19-11033840-C-T. GRCh37 (hg19) VCF-style: chr19-11144516-C-T.
Other names: c.3848C>T, p.Pro1283Leu (NM_001128844.3, NM_001128849.3, NM_001387283.1); c.3775-283C>T (NM_001128847.4, NM_001374457.1, NM_001128845.2 and 2 more transcripts); short protein forms P1283L.
Identifiers: ClinVar variation 1419801 (VCV001419801.8), dbSNP rs2146667556, ClinGen allele CA404066757.

ClinVar aggregate classification (germline): Uncertain significance (1 of 4 stars; one submission).

Conditions:
Rhabdoid tumor predisposition syndrome 2 (RTPS2). Identifiers: Orphanet 231108, Orphanet 69077, MedGen C2750074, MONDO:0013224, OMIM 613325.

Submission:

Labcorp Genetics (formerly Invitae), Labcorp
Classification: Uncertain significance for Rhabdoid tumor predisposition syndrome 2. Last evaluated: 2020-11-11. Review status: criteria provided, single submitter. Criteria: Invitae Variant Classification Sherloc (09022015). Collection method: clinical testing. Allele origin: germline.
Comment: This variant is not present in population databases (ExAC no frequency). This sequence change replaces proline with leucine at codon 1283 of the SMARCA4 protein (p.Pro1283Leu). The proline residue is moderately conserved and there is a moderate physicochemical difference between proline and leucine. This variant has not been reported in the literature in individuals with SMARCA4-related conditions. In summary, the available evidence is currently insufficient to determine the role of this variant in disease. Therefore, it has been classified as a Variant of Uncertain Significance. Algorithms developed to predict the effect of missense changes on protein structure and function are either unavailable or do not agree on the potential impact of this missense change (SIFT: "Deleterious"; PolyPhen-2: "Benign"; Align-GVGD: "Class C0").